The following is an entry in ClinVar:

ClinVar aggregate classification (germline): Uncertain significance (1 of 4 stars; one submission).

Conditions:
Rhabdoid tumor predisposition syndrome 2 (RTPS2). Identifiers: Orphanet 231108, Orphanet 69077, MedGen C2750074, MONDO:0013224, OMIM 613325.

Submission:

Labcorp Genetics (formerly Invitae), Labcorp
Classification: Uncertain significance for Rhabdoid tumor predisposition syndrome 2. Last evaluated: 2025-12-23. Review status: criteria provided, single submitter. Criteria: Invitae Variant Classification Sherloc (09022015). Collection method: clinical testing. Allele origin: germline.
Comment: This sequence change replaces serine, which is neutral and polar, with phenylalanine, which is neutral and non-polar, at codon 492 of the SMARCA4 protein (p.Ser492Phe). This variant is not present in population databases (gnomAD no frequency). This variant has not been reported in the literature in individuals affected with SMARCA4-related conditions. Invitae Evidence Modeling of protein sequence and biophysical properties (such as structural, functional, and spatial information, amino acid conservation, physicochemical variation, residue mobility, and thermodynamic stability) indicates that this missense variant is not expected to disrupt SMARCA4 protein function with a negative predictive value of 80%. In summary, the available evidence is currently insufficient to determine the role of this variant in disease. Therefore, it has been classified as a Variant of Uncertain Significance.

NM_003072.5(SMARCA4):c.1475C>T (p.Ser492Phe)

Gene: SMARCA4 (SWI/SNF related BAF chromatin remodeling complex subunit ATPase 4; plus strand). Cytogenetic location: 19p13.2.
Variant type: single nucleotide variant.
Coding change: c.1475C>T on transcript NM_003072.5 (MANE Select); coding-DNA position 1475, C replaced by T.
Protein change: p.Ser492Phe; replaces serine 492 with phenylalanine.
Molecular consequence: missense variant. On other transcripts: non-coding transcript variant (1).
Genome position (GRCh38, 1-based): chr19:10,994,883, C>T. VCF-style: chr19-10994883-C-T. GRCh37 (hg19) VCF-style: chr19-11105559-C-T.
Other names: c.1475C>T, p.Ser492Phe (NM_001128844.3, NM_001128845.2, NM_001128846.2 and 6 more transcripts); short protein forms S492F.
Identifiers: ClinVar variation 4806955 (VCV004806955.1).